The following is an entry in ClinVar:

ClinVar aggregate classification (germline): Uncertain significance (1 of 4 stars; one submission).

Submission:

GeneDx
Classification: Uncertain significance. Last evaluated: 2024-12-18. Review status: criteria provided, single submitter. Criteria: GeneDx Variant Classification Process June 2021. Collection method: clinical testing. Allele origin: germline.
Comment: Not observed at significant frequency in large population cohorts (gnomAD); In silico analysis indicates that this missense variant does not alter protein structure/function; Has not been previously published as pathogenic or benign to our knowledge

NM_006734.4(HIVEP2):c.4393A>C (p.Met1465Leu)

Gene: HIVEP2 (HIVEP zinc finger 2; minus strand). Cytogenetic location: 6q24.2.
Variant type: single nucleotide variant.
Coding change: c.4393A>C on transcript NM_006734.4 (MANE Select); coding-DNA position 4393, A replaced by C.
Protein change: p.Met1465Leu; replaces methionine 1465 with leucine.
Molecular consequence: missense variant.
Genome position (GRCh38, 1-based): chr6:142,770,346, T>G on the plus strand (A>C on the coding strand, the complement: HIVEP2 is on the minus strand). VCF-style: chr6-142770346-T-G. GRCh37 (hg19) VCF-style: chr6-143091483-T-G.
Other names: short protein forms M1465L.
Identifiers: ClinVar variation 2504755 (VCV002504755.2), dbSNP rs2482823082, ClinGen allele CA365900208.
Genomic context (GRCh38, chr6:142,770,346, plus strand): 5'-TTTTGATGTCTGAGTTGGTCAGCTCCACAGCACTAAGCTCCTCCACAATCTGTCCGTACA[T>G]CTTTTCTTCTTTGACCCTTTTCTGCTGCTTGGTTTCCATGAAGAGCTCCAAGCTACTGGC-3'
Protein context (NP_006725.3, residues 1455-1475): KQQKRVKEEK[Met1465Leu]YGQIVEELSA